The following is an entry in ClinVar:

ClinVar aggregate classification (germline): Pathogenic (1 of 4 stars; one submission).

Conditions:
Polycystic kidney disease, adult type (PKD1). Also called: Polycystic Kidney, Autosomal Dominant; POLYCYSTIC KIDNEY DISEASE, ADULT, TYPE I; Polycystic Kidney Disease 1, Autosomal Dominant; Polycystic kidney disease 1; Polycystic kidney disease 1, severe; POLYCYSTIC KIDNEY DISEASE 1 WITH OR WITHOUT POLYCYSTIC LIVER DISEASE. Identifiers: MedGen C3149841, MONDO:0008263, OMIM 173900.

gnomAD v4.1: 1 of 1,596,502 alleles (0.000063%); highest among the groups gnomAD compares: South Asian, 0.0011%; no homozygotes.

Submission:

Victorian Clinical Genetics Services, Murdoch Childrens Research Institute
Classification: Pathogenic for Polycystic kidney disease, adult type. Last evaluated: 2025-01-20. Review status: criteria provided, single submitter. Criteria: ACMG Guidelines, 2015. Collection method: clinical testing. Allele origin: germline. Affected: yes.
Comment: This variant is classified as Pathogenic. Evidence in support of pathogenic classification: Variant is predicted to cause nonsense-mediated decay (NMD) and loss of protein (premature termination codon is located at least 54 nucleotides upstream of the final exon-exon junction); Variant is present in gnomAD <0.001 for a dominant condition (v4: 1 heterozygote(s), 0 homozygote(s)); Other NMD-predicted variant(s) comparable to the one identified in this case have very strong previous evidence for pathogenicity (DECIPHER, ClinVar). Additional information: This variant is heterozygous; This gene is associated with autosomal dominant disease. Polycystic kidney disease 1 (MIM#173900) is predominantly caused by monoallelic variants, with rare reports of biallelic variants causing disease (OMIM); This variant has no previous evidence of pathogenicity; No published segregation evidence has been identified for this variant; No published functional evidence has been identified for this variant; Loss of function is a known mechanism of disease in this gene and is associated with polycystic kidney disease 1 (MIM#173900); Inheritance information for this variant is not currently available in this individual.

NM_001009944.3(PKD1):c.7828G>T (p.Glu2610Ter)

Gene: PKD1 (polycystin 1, transient receptor potential channel interacting; minus strand). Cytogenetic location: 16p13.3.
Variant type: single nucleotide variant.
Coding change: c.7828G>T on transcript NM_001009944.3 (MANE Select); coding-DNA position 7828, G replaced by T.
Protein change: p.Glu2610Ter; replaces glutamic acid 2610 with a stop codon.
Molecular consequence: nonsense.
Genome position (GRCh38, 1-based): chr16:2,105,900, C>A on the plus strand (G>T on the coding strand, the complement: PKD1 is on the minus strand). VCF-style: chr16-2105900-C-A. GRCh37 (hg19) VCF-style: chr16-2155901-C-A.
Other names: c.7828G>T, p.Glu2610Ter (NM_000296.4); short protein forms E2610*.
Identifiers: ClinVar variation 4531555 (VCV004531555.1).
Genomic context (GRCh38, chr16:2,105,900, plus strand): 5'-ACGTCCCCTCCCAGGCTGCACTCACCTCGTTCAGCACGGTGACCAGGGCCAACGAGTACT[C>A]GATGACGTGCTGGGGATCGGCCTGCCGCAGCAGCCCTGGGAGCACACTAGCGGTGAGCCC-3'